The following is an entry in ClinVar:

ClinVar aggregate classification (germline): Uncertain significance (1 of 4 stars; one submission).

Conditions:
SLC25A13-related disorder. Also called: SLC25A13-related condition.

Submission:

PreventionGenetics, part of Exact Sciences
Classification: Uncertain significance for SLC25A13-related condition. Last evaluated: 2022-09-15. Review status: criteria provided, single submitter. Criteria: ACMG Guidelines, 2015. Collection method: clinical testing. Allele origin: germline.
Comment: The SLC25A13 c.1564A>T variant is predicted to result in the amino acid substitution p.Ser522Cys. To our knowledge, this variant has not been reported in the literature or in a large population database, indicating this variant is rare. At this time, the clinical significance of this variant is uncertain due to the absence of conclusive functional and genetic evidence.

NM_014251.3(SLC25A13):c.1564A>T (p.Ser522Cys)

Gene: SLC25A13 (solute carrier family 25 member 13; minus strand). Cytogenetic location: 7q21.3.
Variant type: single nucleotide variant.
Coding change: c.1564A>T on transcript NM_014251.3 (MANE Select); coding-DNA position 1564, A replaced by T.
Protein change: p.Ser522Cys; replaces serine 522 with cysteine.
Molecular consequence: missense variant. On other transcripts: non-coding transcript variant (1).
Genome position (GRCh38, 1-based): chr7:96,131,770, T>A on the plus strand (A>T on the coding strand, the complement: SLC25A13 is on the minus strand). VCF-style: chr7-96131770-T-A. GRCh37 (hg19) VCF-style: chr7-95761082-T-A.
Other names: c.1567A>T, p.Ser523Cys (NM_001160210.2); short protein forms S522C, S523C.
Identifiers: ClinVar variation 2637135 (VCV002637135.1), dbSNP rs2485577116, ClinGen allele CA368259412.